The following is an entry in ClinVar:

ClinVar aggregate classification (germline): Pathogenic. Review status: reviewed by expert panel (3 of 4 stars). 7 submissions from 7 submitters: Pathogenic (1). 6 of the submissions do not count toward it. Last evaluated 2023-12-22.

Conditions:
RPE65-related recessive retinopathy. Also called: Recessive RPE65 retinopathy. Identifiers: MedGen CN305526, MONDO:0100368.
RPE65-related disorder. Also called: RPE65-related condition; RPE65-related disorders. Identifiers: MedGen CN239301.
Leber congenital amaurosis 2 (LCA2). Also called: Autosomal Recessive RPE65-Related Retinal Degeneration; AMAUROSIS CONGENITA OF LEBER II. Identifiers: Orphanet 65, MedGen C1859844, MONDO:0008765, OMIM 204100. Disease mechanism: loss of function.
Retinitis pigmentosa 20 (RP20). Identifiers: Orphanet 791, MedGen C3151086, MONDO:0013425, OMIM 613794.

Submissions (7):

ClinGen Leber Congenital Amaurosis/early Onset Retinal Dystrophy Variant Curation Expert Panel, ClinGen
Classification: Pathogenic for RPE65-related recessive retinopathy. Last evaluated: 2023-12-22. Review status: reviewed by expert panel. Criteria: ClinGen LCAeoRD ACMG Specifications RPE65 V1.0.0. Collection method: curation. Allele origin: germline. Inheritance: Autosomal recessive inheritance.
Comment: The NM_000329.3(RPE65): c.495+1dup variant disrupts a canonical splice site in intron 5 and is predicted to lead to skipping of a critical exon in which missense variants have previously been established as a mechanism of disease (PVS1). This variant has been reported in at least 1 proband with early-onset severe retinal dystrophy who was homozygous for the variant (0.5 point, PMID: 26656277). This variant has also been reported in at least 2 probands with early-onset severe retinal dystrophy, one of whom was compound heterozygous with the c.130C>T p.Arg44Ter variant confirmed in trans (1 pt, PMID: 26626312) which was previously classified pathogenic by the ClinGen LCA / eoRD VCEP (1.5 total points, PM3). This variant is absent from gnomAD v2.1.1 (PM2_Supporting). In summary, this variant meets the criteria to be classified as pathogenic for RPE65-related recessive retinopathy based on the ACMG/AMP criteria applied, as specified by the ClinGen LCA/eoRD VCEP: PVS1, PM3_strong, PM2_supporting (VCEP specifications version 1.0.0; date of approval 09/21/2023).

Myriad Genetics, Inc.
Classification: Pathogenic for RPE65-related recessive retinopathy. Last evaluated: 2025-05-20. Review status: criteria provided, single submitter. Criteria: Myriad Autosomal Dominant, Autosomal Recessive and X-Linked Classification Criteria (2023). Collection method: clinical testing. Allele origin: unknown. Not counted in ClinVar's aggregate classification.
Comment: NM_000329.2(RPE65):c.495+1dupG is a variant in a canonical splice site classified as pathogenic in the context of inherited retinal dystrophy, RPE65-related. c.495+1dupG has been observed in cases with relevant disease (PMID: 26626312). Relevant functional assessments of this variant are not available in the literature. c.495+1dupG has not been observed in referenced population frequency databases. In summary, NM_000329.2(RPE65):c.495+1dupG is a variant in a canonical splice site in a gene where loss of function is a known mechanism of disease, is predicted to disrupt protein function, and has been observed more frequently in cases with the relevant disease than in healthy populations. Please note: this variant was assessed in the context of healthy population screening.

PreventionGenetics, part of Exact Sciences
Classification: Pathogenic for RPE65-related condition. Last evaluated: 2024-11-12. Review status: criteria provided, single submitter. Criteria: ACMG Guidelines, 2015. Collection method: clinical testing. Allele origin: germline. Not counted in ClinVar's aggregate classification.
Comment: The RPE65 c.495+1dupG variant is predicted to result in a duplication affecting a canonical splice site. This variant has been reported in individuals with Leber congenital amaurosis or RPE65-related retinal disease (Scholl et al. 2015. PubMed ID: 26656277; Astuti et al. 2015. PubMed ID: 26626312). This variant has not been reported in a large population database (gnomAD), indicating this variant is rare. This variant has been evaluated by the ClinGen Leber Congenital Amaurosis/early Onset Retinal Dystrophy Variant Curation Expert Panel and classified as pathogenic. Variants that disrupt the consensus splice site in RPE65 are expected to be pathogenic. This variant is interpreted as pathogenic.

GeneDx
Classification: Pathogenic. Last evaluated: 2024-03-19. Review status: criteria provided, single submitter. Criteria: GeneDx Variant Classification Process June 2021. Collection method: clinical testing. Allele origin: germline. Affected: yes. Not counted in ClinVar's aggregate classification.
Comment: Canonical splice site variant predicted to result in a null allele in a gene for which loss of function is a known mechanism of disease; Not observed at significant frequency in large population cohorts (gnomAD); This variant is associated with the following publications: (PMID: 16123401, 30268864, 26626312)

Labcorp Genetics (formerly Invitae), Labcorp
Classification: Pathogenic for Leber congenital amaurosis 2; Retinitis pigmentosa 20. Last evaluated: 2024-02-24. Review status: criteria provided, single submitter. Criteria: Invitae Variant Classification Sherloc (09022015). Collection method: clinical testing. Allele origin: germline. Not counted in ClinVar's aggregate classification.
Comment: This sequence change affects a splice site in intron 5 of the RPE65 gene. It is expected to disrupt RNA splicing. Variants that disrupt the donor or acceptor splice site typically lead to a loss of protein function (PMID: 16199547), and loss-of-function variants in RPE65 are known to be pathogenic (PMID: 9326941, 9501220, 9843205, 18632300). This variant is not present in population databases (gnomAD no frequency). Disruption of this splice site has been observed in individual(s) with Leber congenital amaurosis (PMID: 16123401, 26626312, 30268864). In at least one individual the data is consistent with being in trans (on the opposite chromosome) from a pathogenic variant. This variant is also known as IVS5+1_+2insG and c.495_495+1insG. ClinVar contains an entry for this variant (Variation ID: 98872). Algorithms developed to predict the effect of sequence changes on RNA splicing suggest that this variant may disrupt the consensus splice site. For these reasons, this variant has been classified as Pathogenic.

Blueprint Genetics
Classification: Pathogenic for RPE65-related disorders. Last evaluated: 2020-11-03. Review status: criteria provided, single submitter. Criteria: ACMG Guidelines, 2015. Collection method: clinical testing. Allele origin: germline. Affected: yes. Observed: 2 variant alleles. Not counted in ClinVar's aggregate classification.

Retina International
No classification provided. Review status: no classification provided. Collection method: not provided. Allele origin: not provided. Not counted in ClinVar's aggregate classification.

Literature cited by the submitters: PubMed 26626312 (cited by Myriad Genetics, Inc. and Labcorp Genetics (formerly Invitae), Labcorp); PubMed 16199547 (cited by Labcorp Genetics (formerly Invitae), Labcorp); PubMed 9326941 (cited by Labcorp Genetics (formerly Invitae), Labcorp); PubMed 9501220 (cited by Labcorp Genetics (formerly Invitae), Labcorp); PubMed 9843205 (cited by Labcorp Genetics (formerly Invitae), Labcorp); PubMed 18632300 (cited by Labcorp Genetics (formerly Invitae), Labcorp); PubMed 16123401 (cited by Labcorp Genetics (formerly Invitae), Labcorp); PubMed 30268864 (cited by Labcorp Genetics (formerly Invitae), Labcorp).

NM_000329.3(RPE65):c.495+1dup

Gene: RPE65 (retinoid isomerohydrolase RPE65; minus strand). Cytogenetic location: 1p31.3.
Variant type: Duplication.
Coding change: c.495+1dup on transcript NM_000329.3 (MANE Select); the canonical splice donor site of the intron after coding-DNA position 495, one base duplicated (G; older notation c.495+1dupG).
Molecular consequence: splice donor variant. On other transcripts: frameshift variant (1).
Genome position (GRCh38, 1-based): chr1:68,444,530, C duplicated on the plus strand (G on the coding strand, the reverse complement: RPE65 is on the minus strand); the first of 2 consecutive C bases (chr1:68,444,530-68,444,531); duplicating either gives the same sequence. VCF-style (leftmost placement, unchanged base first): chr1-68444529-A-AC. GRCh37 (hg19) VCF-style: chr1-68910212-A-AC.
Other names: c.495+1dupG (NM_000329.2); c.496dup, p.Val166fs (NM_001406860.1); c.219+1dup (NM_001406857.1, NM_001406856.1); c.387+1dup (NM_001406853.1); c.495+1dup (NM_001406859.1); short protein forms V166fs.
Identifiers: ClinVar variation 98872 (VCV000098872.12), dbSNP rs281865288, ClinGen allele CA226556.
Genomic context (GRCh38, chr1:68,444,529, plus strand): 5'-GTTGAATTAATTTTAAGTTCCAAATTCTAAATTCCTGAACATCACCTAGCACTGTGTCCC[A>AC]CCTGCTTAATTGTCTCCAAGGTCTCTGGATTAATCTTTGTAATAAAGTTGGTCTCTGTGC-3'